The following is an entry in ClinVar:

ClinVar aggregate classification (germline): Benign/Likely benign. Review status: criteria provided, multiple submitters, no conflicts (2 of 4 stars). 5 submissions from 5 submitters: Benign (1); Likely benign (4). Last evaluated 2025-03-14.

Conditions:
Pheochromocytoma/paraganglioma syndrome 3. Also called: SDHC-Related Hereditary Paraganglioma-Pheochromocytoma Syndrome (Paragangliomas 3); Paragangliomas 3; GLOMUS TUMORS, FAMILIAL, 3; SDHC-Related Hereditary Paraganglioma-Pheochromocytoma Syndrome. Identifiers: Orphanet 29072, MedGen C1854336, MONDO:0011544, OMIM 605373.
Gastrointestinal stromal tumor. Also called: Gastrointestinal stroma tumor; Gastrointestinal stromal tumor, somatic. Identifiers: Orphanet 44890, MedGen C0238198, MeSH D046152, MONDO:0011719, OMIM 606764, HP:0100723.
Hereditary cancer-predisposing syndrome. Also called: Tumor predisposition; Hereditary neoplastic syndrome; Hereditary Cancer Syndrome; Neoplastic Syndromes, Hereditary. Identifiers: Orphanet 140162, MedGen C0027672, MeSH D009386, MONDO:0015356.
Hereditary pheochromocytoma and paraganglioma. Also called: Hereditary paragangliomas and pheochromocytomas; Hereditary Paraganglioma-Pheochromocytoma Syndromes; Hereditary pheochromocytoma-paraganglioma. Identifiers: Orphanet 29072, MedGen C4274332, MONDO:0017366.

Allele frequency attached by ClinVar (database versions not stated): gnomAD exomes 0.00001.
gnomAD v4.1: 8 of 1,613,570 alleles (0.0005%); highest among the groups gnomAD compares: Non-Finnish European, 0.00068%; no homozygotes.

Submissions (5):

Myriad Genetics, Inc.
Classification: Benign for Pheochromocytoma/paraganglioma syndrome 3. Last evaluated: 2025-03-14. Review status: criteria provided, single submitter. Criteria: Myriad Autosomal Dominant, Autosomal Recessive and X-Linked Classification Criteria (2023). Collection method: clinical testing. Allele origin: unknown.
Comment: This variant is considered benign. This variant is a silent/synonymous amino acid change and it is not expected to impact splicing.

Labcorp Genetics (formerly Invitae), Labcorp
Classification: Likely benign for Pheochromocytoma/paraganglioma syndrome 3; Gastrointestinal stromal tumor. Last evaluated: 2024-04-22. Review status: criteria provided, single submitter. Criteria: Invitae Variant Classification Sherloc (09022015). Collection method: clinical testing. Allele origin: germline.

All of Us Research Program, National Institutes of Health
Classification: Likely benign for Hereditary pheochromocytoma and paraganglioma. Last evaluated: 2023-05-30. Review status: criteria provided, single submitter. Criteria: ACMG Guidelines, 2015. Collection method: clinical testing. Allele origin: germline. Inheritance: Autosomal dominant inheritance. Observed: 1 variant allele, 1 heterozygote.
Comment: This study involves interpretation of variants in research participants for the purpose of population health screening. Participant phenotype was not available at the time of variant classification. Additional details can be found in publication PMID: 35346344, PMCID: PMC8962531

Ambry Genetics
Classification: Likely benign for Hereditary cancer-predisposing syndrome. Last evaluated: 2021-01-01. Review status: criteria provided, single submitter. Criteria: Ambry Variant Classification Scheme 2023. Collection method: clinical testing. Allele origin: germline.

GeneDx
Classification: Likely benign. Last evaluated: 2018-02-01. Review status: criteria provided, single submitter. Criteria: GeneDx Variant Classification (06012015). Collection method: clinical testing. Allele origin: germline. Affected: yes.
Comment: This variant is considered likely benign or benign based on one or more of the following criteria: it is a conservative change, it occurs at a poorly conserved position in the protein, it is predicted to be benign by multiple in silico algorithms, and/or has population frequency not consistent with disease.

NM_003001.5(SDHC):c.48C>G (p.Ala16=)

Gene: SDHC (succinate dehydrogenase complex subunit C; plus strand). Cytogenetic location: 1q23.3.
Variant type: single nucleotide variant.
Coding change: c.48C>G on transcript NM_003001.5 (MANE Select); coding-DNA position 48, C replaced by G.
Protein change: p.Ala16=; no amino-acid change (alanine 16 retained).
Molecular consequence: synonymous variant. On other transcripts: 5 prime UTR variant (2), non-coding transcript variant (1), intron variant (4).
Genome position (GRCh38, 1-based): chr1:161,323,641, C>G. VCF-style: chr1-161323641-C-G. GRCh37 (hg19) VCF-style: chr1-161293431-C-G.
Other names: c.48C>G, p.Ala16= (NM_001035511.3, NM_001035512.3, NM_001278172.3 and 2 more transcripts); c.-64C>G (NM_001407119.1); c.-182C>G (NM_001407120.1); c.21-4755C>G (NM_001407116.1, NM_001407121.1, NM_001407117.1); c.20+9216C>G (NM_001035513.3).
Identifiers: ClinVar variation 515256 (VCV000515256.29), dbSNP rs1553261765, ClinGen allele CA421407245.